The following is an entry in ClinVar:

NM_000426.4(LAMA2):c.8357G>A (p.Arg2786His)

Genes: LAMA2 (laminin subunit alpha 2; plus strand), LOC126859784 (CDK7 strongly-dependent group 2 enhancer GRCh37_chr6:129822854-129824053; plus strand). Cytogenetic location: 6q22.33.
Variant type: single nucleotide variant.
Coding change: c.8357G>A on transcript NM_000426.4 (MANE Select); coding-DNA position 8357, G replaced by A.
Protein change: p.Arg2786His; replaces arginine 2786 with histidine.
Molecular consequence: missense variant.
Genome position (GRCh38, 1-based): chr6:129,502,771, G>A. VCF-style: chr6-129502771-G-A. GRCh37 (hg19) VCF-style: chr6-129823916-G-A.
Other names: c.8345G>A, p.Arg2782His (NM_001079823.2); short protein forms R2782H, R2786H.
Identifiers: ClinVar variation 972343 (VCV000972343.6), dbSNP rs767988083, ClinGen allele CA3994801.
Genomic context (GRCh38, chr6:129,502,771, plus strand): 5'-TCGGGCTTTCAAGAAACAGTCACATTGCAATTGCATTTGATGACACCAAAGTTAAAAACC[G>A]GTATGTATCATCCTGAGACACTGGGAAAGAACCGATAAATGAAGAACTGAGTATTTGTGT-3'
Protein context (NP_000417.3, residues 2776-2796): IAFDDTKVKN[Arg2786His]LTIELEVRTE

ClinVar aggregate classification (germline): Uncertain significance. Review status: criteria provided, multiple submitters, no conflicts (2 of 4 stars). 2 submissions from 2 submitters: Uncertain significance (2). Last evaluated 2022-08-09.

Conditions:
LAMA2-related muscular dystrophy (LAMA2-RD). Also called: Laminin alpha 2-related dystrophy. Identifiers: MedGen C5679788, MONDO:0100228.

Allele frequency attached by ClinVar (database versions not stated): gnomAD 0.00010 and 0.00011; TOPMed 0.00014.
gnomAD v4.1: 47 of 1,587,016 alleles (0.003%); highest among the groups gnomAD compares: African/African-American, 0.027%; no homozygotes.

Submissions (2):

Labcorp Genetics (formerly Invitae), Labcorp
Classification: Uncertain significance for LAMA2-related muscular dystrophy. Last evaluated: 2022-08-09. Review status: criteria provided, single submitter. Criteria: Invitae Variant Classification Sherloc (09022015). Collection method: clinical testing. Allele origin: germline.
Comment: This sequence change replaces arginine, which is basic and polar, with histidine, which is basic and polar, at codon 2786 of the LAMA2 protein (p.Arg2786His). This variant is present in population databases (rs767988083, gnomAD 0.03%). This variant has not been reported in the literature in individuals affected with LAMA2-related conditions. ClinVar contains an entry for this variant (Variation ID: 972343). Algorithms developed to predict the effect of missense changes on protein structure and function are either unavailable or do not agree on the potential impact of this missense change (SIFT: "Deleterious"; PolyPhen-2: "Benign"; Align-GVGD: "Class C0"). Algorithms developed to predict the effect of sequence changes on RNA splicing suggest that this variant may disrupt the consensus splice site. In summary, the available evidence is currently insufficient to determine the role of this variant in disease. Therefore, it has been classified as a Variant of Uncertain Significance.

Revvity Omics, Revvity
Classification: Uncertain significance. Last evaluated: 2019-06-12. Review status: criteria provided, single submitter. Criteria: ACMG Guidelines, 2015. Collection method: clinical testing. Allele origin: germline.